The following is an entry in ClinVar:

ClinVar aggregate classification (germline): Uncertain significance (1 of 4 stars; one submission).

Conditions:
Developmental and epileptic encephalopathy, 31A. Also called: Developmental and epileptic encephalopathy, 31; Epileptic encephalopathy, early infantile, 31. Identifiers: Orphanet 2382, MedGen C4225357, MONDO:0014598, OMIM 616346.

Submission:

Labcorp Genetics (formerly Invitae), Labcorp
Classification: Uncertain significance for Developmental and epileptic encephalopathy, 31A. Last evaluated: 2019-05-14. Review status: criteria provided, single submitter. Criteria: Invitae Variant Classification Sherloc (09022015). Collection method: clinical testing. Allele origin: germline.
Comment: This variant results in a copy number gain of the genomic region encompassing exon 1 of the DNM1 gene. The 5' end of this event is unknown as it extends beyond the assayed region for this gene and therefore may encompass additional genes. The 3' boundary is likely confined to intron 1 of the DNM1 gene, which includes the initiator codon. As the precise location of this event is unknown, it may be in tandem or it may be located elsewhere in the genome. This variant has not been reported in the literature in individuals with DNM1-related conditions. In summary, the available evidence is currently insufficient to determine the role of this variant in disease. Therefore, it has been classified as a Variant of Uncertain Significance.

NC_000009.12:g.(?_128203451)_(128203651_?)dup

Genes: CIZ1 (CDKN1A interacting zinc finger protein 1; minus strand), DNM1 (dynamin 1; plus strand). Cytogenetic location: 9q34.11.
Variant type: Duplication.
Identifiers: ClinVar variation 832764 (VCV000832764.2).